The following is an entry in ClinVar:

ClinVar aggregate classification (germline): Uncertain significance (1 of 4 stars; one submission).

Submission:

GeneDx
Classification: Uncertain significance. Last evaluated: 2024-03-08. Review status: criteria provided, single submitter. Criteria: GeneDx Variant Classification Process June 2021. Collection method: clinical testing. Allele origin: germline. Affected: yes.
Comment: Has not been previously published as pathogenic or benign to our knowledge; Not observed at significant frequency in large population cohorts (gnomAD); In silico analysis supports that this missense variant does not alter protein structure/function

NM_001292034.3(TAB2):c.424A>G (p.Met142Val)

Gene: TAB2 (TGF-beta activated kinase 1 (MAP3K7) binding protein 2; plus strand). Cytogenetic location: 6q25.1.
Variant type: single nucleotide variant.
Coding change: c.424A>G on transcript NM_001292034.3 (MANE Select); coding-DNA position 424, A replaced by G.
Protein change: p.Met142Val; replaces methionine 142 with valine.
Molecular consequence: missense variant.
Genome position (GRCh38, 1-based): chr6:149,378,339, A>G. VCF-style: chr6-149378339-A-G. GRCh37 (hg19) VCF-style: chr6-149699475-A-G.
Other names: c.328A>G, p.Met110Val (NM_001292035.3); c.424A>G, p.Met142Val (NM_001369506.1, NM_015093.6); short protein forms M110V, M142V.
Identifiers: ClinVar variation 3370601 (VCV003370601.1).